The following is an entry in ClinVar:

NM_000238.4(KCNH2):c.2766del (p.Pro923fs)

Gene: KCNH2 (potassium voltage-gated channel subfamily H member 2; minus strand). Cytogenetic location: 7q36.1.
Variant type: Deletion.
Coding change: c.2766del on transcript NM_000238.4 (MANE Select); coding-DNA position 2766, one base deleted (G; older notation c.2766delG).
Protein change: p.Pro923fs; shifts the reading frame from proline 923.
Molecular consequence: frameshift variant.
Genome position (GRCh38, 1-based): chr7:150,947,805, C deleted on the plus strand (G on the coding strand, the reverse complement: KCNH2 is on the minus strand); the first of 2 consecutive C bases (chr7:150,947,805-150,947,806); deleting either gives the same sequence. VCF-style (leftmost placement, unchanged base first): chr7-150947804-GC-G. GRCh37 (hg19) VCF-style: chr7-150644892-GC-G.
Other names: c.1746del, p.Pro583fs (NM_172057.3); c.2766delG (NM_000238.3); short protein forms P583fs, P923fs.
Identifiers: ClinVar variation 495746 (VCV000495746.6), dbSNP rs1554424403, ClinGen allele CA658683501.

ClinVar aggregate classification (germline): Pathogenic/Likely pathogenic. Review status: criteria provided, multiple submitters, no conflicts (2 of 4 stars). 3 submissions from 3 submitters: Pathogenic (2); Likely pathogenic (1). Last evaluated 2019-10-15.

Conditions:
Cardiovascular phenotype. Identifiers: MedGen CN230736.

Submissions (3):

GeneDx
Classification: Pathogenic. Last evaluated: 2019-10-15. Review status: criteria provided, single submitter. Criteria: GeneDx Variant Classification Process June 2021. Collection method: clinical testing. Allele origin: germline. Affected: yes.
Comment: Reported in a patient referred for LQTS genetic testing; however, additional clinical information was not provided (Tester et al., 2005); Not observed in large population cohorts (Lek et al., 2016); Frameshift variant predicted to result in protein truncation or nonsense mediated decay in a gene for which loss-of-function is a known mechanism of disease; This variant is associated with the following publications: (PMID: 18593567, 15840476, 19841300)

Ambry Genetics
Classification: Pathogenic for Cardiovascular phenotype. Last evaluated: 2018-11-27. Review status: criteria provided, single submitter. Criteria: Ambry Variant Classification Scheme 2023. Collection method: clinical testing. Allele origin: germline.
Comment: The c.2766delG pathogenic mutation, located in coding exon 12 of the KCNH2 gene, results from a deletion of one nucleotide at nucleotide position 2766, causing a translational frameshift with a predicted alternate stop codon (p.P923Rfs*51). This alteration has been reported in one individual from a long QT syndrome testing cohort (Tester DJ et al. Heart Rhythm, 2005 May;2:507-17). In addition to the clinical data presented in the literature, this alteration is expected to result in loss of function by premature protein truncation or nonsense-mediated mRNA decay. As such, this alteration is interpreted as a disease-causing mutation.

Women's Health and Genetics/Laboratory Corporation of America, LabCorp
Classification: Likely pathogenic for Cardiovascular phenotype. Last evaluated: 2017-07-10. Review status: criteria provided, single submitter. Criteria: LabCorp Variant Classification Summary - May 2015. Collection method: clinical testing. Allele origin: germline.
Comment: Variant summary: The KCNH2 c.2766delG (p.Pro923Argfs) variant results in a premature termination codon, predicted to cause a truncated or absent KCNH2 protein due to nonsense mediated decay, which are commonly known mechanisms for disease. Truncations downstream of this position have been classified as likely pathogenic/pathogenic by our laboratory (e.g. c.2959_2960delCT (p.Leu987fs) and c.3107dupG (p.Asp1037fs). This variant is absent in 11608 control chromosomes (ExAC and publication controls). A publication, Tester_2005, cites the variant in an affected individual for LQTS. A functional study, Hsueh_2008, indicates the variant to cause reduced current amplitude and faster inactivation. Therefore, taking all available lines of evidence into consideration, the variant of interest has been classified as "Likely Pathogenic."

Literature cited by the submitters: PubMed 15840476 (cited by Ambry Genetics and Women's Health and Genetics/Laboratory Corporation of America, LabCorp); PubMed 18593567 (cited by Women's Health and Genetics/Laboratory Corporation of America, LabCorp); PubMed 19841300 (cited by Women's Health and Genetics/Laboratory Corporation of America, LabCorp).